The following is an entry in ClinVar:

NM_001363711.2(DUOX2):c.3769T>A (p.Tyr1257Asn)

Gene: DUOX2 (dual oxidase 2; minus strand). Cytogenetic location: 15q21.1.
Variant type: single nucleotide variant.
Coding change: c.3769T>A on transcript NM_001363711.2 (MANE Select); coding-DNA position 3769, T replaced by A.
Protein change: p.Tyr1257Asn; replaces tyrosine 1257 with asparagine.
Molecular consequence: missense variant.
Genome position (GRCh38, 1-based): chr15:45,097,316, A>T on the plus strand (T>A on the coding strand, the complement: DUOX2 is on the minus strand). VCF-style: chr15-45097316-A-T. GRCh37 (hg19) VCF-style: chr15-45389514-A-T.
Other names: c.3769T>A, p.Tyr1257Asn (NM_014080.5); short protein forms Y1257N.
Identifiers: ClinVar variation 1913871 (VCV001913871.5), dbSNP rs779338368, ClinGen allele CA7537734.

ClinVar aggregate classification (germline): Uncertain significance. Review status: criteria provided, multiple submitters, no conflicts (2 of 4 stars). 2 submissions from 2 submitters: Uncertain significance (2). Last evaluated 2025-07-02.

Conditions:
Inborn genetic diseases. Identifiers: MedGen C0950123, MeSH D030342.

Allele frequency attached by ClinVar (database versions not stated): ExAC 0.00001; gnomAD 0.00001; gnomAD exomes 0.00001; TOPMed 0.00001.

Submissions (2):

Labcorp Genetics (formerly Invitae), Labcorp
Classification: Uncertain significance. Last evaluated: 2025-07-02. Review status: criteria provided, single submitter. Criteria: Invitae Variant Classification Sherloc (09022015). Collection method: clinical testing. Allele origin: germline.
Comment: This sequence change replaces tyrosine, which is neutral and polar, with asparagine, which is neutral and polar, at codon 1257 of the DUOX2 protein (p.Tyr1257Asn). This variant is present in population databases (rs779338368, gnomAD 0.002%). This variant has not been reported in the literature in individuals affected with DUOX2-related conditions. ClinVar contains an entry for this variant (Variation ID: 1913871). Invitae Evidence Modeling of protein sequence and biophysical properties (such as structural, functional, and spatial information, amino acid conservation, physicochemical variation, residue mobility, and thermodynamic stability) has been performed for this missense variant. However, the output from this modeling did not meet the statistical confidence thresholds required to predict the impact of this variant on DUOX2 protein function. In summary, the available evidence is currently insufficient to determine the role of this variant in disease. Therefore, it has been classified as a Variant of Uncertain Significance.

Ambry Genetics
Classification: Uncertain significance for Inborn genetic diseases. Last evaluated: 2022-05-25. Review status: criteria provided, single submitter. Criteria: Ambry Variant Classification Scheme 2023. Collection method: clinical testing. Allele origin: germline.